The following is an entry in ClinVar:

ClinVar aggregate classification (germline): Conflicting classifications of pathogenicity. Review status: criteria provided, conflicting classifications (1 of 4 stars). 7 submissions from 7 submitters: Uncertain significance (4); Likely benign (3). Last evaluated 2026-07-06.

Conditions:
BAP1-related disorder. Also called: BAP1-related condition.
Hereditary cancer-predisposing syndrome. Also called: Neoplastic Syndromes, Hereditary; Tumor predisposition; Hereditary Cancer Syndrome; Hereditary neoplastic syndrome. Identifiers: Orphanet 140162, MedGen C0027672, MeSH D009386, MONDO:0015356.
BAP1-related tumor predisposition syndrome (TPDS1). Also called: Tumor susceptibility linked to germline BAP1 mutations; BAP1 tumor predisposition syndrome; COMMON Syndrome; TUMOR PREDISPOSITION SYNDROME 1. Identifiers: Orphanet 289539, MedGen C3280492, MONDO:0013692, OMIM 614327.

Allele frequency attached by ClinVar (database versions not stated): TOPMed 0.00002; gnomAD 0.00004 and 0.00005; gnomAD exomes 0.00006 and 0.00010; ExAC 0.00014; 1000 Genomes Project 0.00020; ESP Exome Variant Server 0.00023; 1000 Genomes Project 30x 0.00031.
gnomAD v4.1: 89 of 1,613,644 alleles (0.0055%); highest among the groups gnomAD compares: Middle Eastern, 0.017%; no homozygotes.

Submissions (7):

PreventionGenetics, part of Exact Sciences
Classification: Uncertain significance for BAP1-related condition. Last evaluated: 2026-07-06. Review status: criteria provided, single submitter. Criteria: ACMG Guidelines, 2015. Collection method: clinical testing. Allele origin: germline.
Comment: The BAP1 c.944A>C variant is predicted to result in the amino acid substitution p.Glu315Ala. This variant was reported in an individual with renal cell carcinoma (Christensen et al. 2019. PubMed ID: 31034483) and in an individual with malignant pleural mesothelioma (Betti et al. 2017. PubMed ID: 28687356). This variant is reported in 0.016% of alleles in individuals of European (Non-Finnish) descent in gnomAD. This variant has conflicting interpretations in ClinVar ranging from uncertain to likely benign (Variation ID: 412406). At this time, the clinical significance of this variant is uncertain due to the absence of conclusive functional and genetic evidence.

Labcorp Genetics (formerly Invitae), Labcorp
Classification: Uncertain significance for BAP1-related tumor predisposition syndrome. Last evaluated: 2026-01-24. Review status: criteria provided, single submitter. Criteria: Invitae Variant Classification Sherloc (09022015). Collection method: clinical testing. Allele origin: germline.
Comment: This sequence change replaces glutamic acid, which is acidic and polar, with alanine, which is neutral and non-polar, at codon 315 of the BAP1 protein (p.Glu315Ala). This variant is present in population databases (rs149974450, gnomAD 0.02%). This missense change has been observed in individual(s) with renal cell carcinoma and malignant pleural mesothelioma (PMID: 28687356, 31034483). ClinVar contains an entry for this variant (Variation ID: 412406). Invitae Evidence Modeling of protein sequence and biophysical properties (such as structural, functional, and spatial information, amino acid conservation, physicochemical variation, residue mobility, and thermodynamic stability) indicates that this missense variant is not expected to disrupt BAP1 protein function with a negative predictive value of 80%. In summary, the available evidence is currently insufficient to determine the role of this variant in disease. Therefore, it has been classified as a Variant of Uncertain Significance.

Color Diagnostics, LLC DBA Color Health
Classification: Likely benign for Hereditary cancer-predisposing syndrome. Last evaluated: 2025-02-10. Review status: criteria provided, single submitter. Criteria: ACMG Guidelines, 2015. Collection method: clinical testing. Allele origin: germline.

Myriad Genetics, Inc.
Classification: Likely benign for BAP1-related tumor predisposition syndrome. Last evaluated: 2024-07-15. Review status: criteria provided, single submitter. Criteria: Myriad Autosomal Dominant, Autosomal Recessive and X-Linked Classification Criteria (2023). Collection method: clinical testing. Allele origin: unknown.
Comment: This variant is considered likely benign. This variant has been observed at a population frequency that is significantly greater than expected given the associated disease prevalence and penetrance.

GeneDx
Classification: Uncertain significance. Last evaluated: 2024-01-26. Review status: criteria provided, single submitter. Criteria: GeneDx Variant Classification Process June 2021. Collection method: clinical testing. Allele origin: germline. Affected: yes.
Comment: In silico analysis supports that this missense variant does not alter protein structure/function; Observed in individuals with a personal or family history of renal cancer, osteosarcoma, or mesothelioma (PMID: 26580448, 28687356, 31034483); This variant is associated with the following publications: (PMID: 21642991, 26659599, 28687356, 26580448, 31034483, 34711244)

St. Jude Molecular Pathology, St. Jude Children's Research Hospital
Classification: Uncertain significance for BAP1-related tumor predisposition syndrome. Last evaluated: 2021-06-10. Review status: criteria provided, single submitter. Criteria: St. Jude Assertion Criteria 2020. Collection method: clinical testing. Allele origin: germline.
Comment: The BAP1 c.944A>C (p.Glu315Ala)missense change has a maximum subpopulation frequency of 0.016% in gnomAD v2.1.1. Five of seven in silico tools predict a benign effect of this variant on protein function (BP4), but these predictions have not been confirmed by functional studies. This variant has been reported in individuals with renal cell carcinoma, malignant mesothelioma, and pediatric osteosarcoma (PMID: 31034483, 28687356, 26580448). It is present 2X in a database of women older than 70 years of age who have never had cancer. In summary, this variant meets criteria to be classified as of uncertain significance based on the ACMG/AMP criteria: BP4.

Ambry Genetics
Classification: Likely benign for Hereditary cancer-predisposing syndrome. Last evaluated: 2020-08-17. Review status: criteria provided, single submitter. Criteria: Ambry Variant Classification Scheme 2023. Collection method: clinical testing. Allele origin: germline.

Literature cited by the submitters: PubMed 28687356 (cited by Labcorp Genetics (formerly Invitae), Labcorp and Ambry Genetics); PubMed 31034483 (cited by Labcorp Genetics (formerly Invitae), Labcorp and Ambry Genetics).

NM_004656.4(BAP1):c.944A>C (p.Glu315Ala)

Gene: BAP1 (BRCA1 associated deubiquitinase 1; minus strand). Cytogenetic location: 3p21.1.
Variant type: single nucleotide variant.
Coding change: c.944A>C on transcript NM_004656.4 (MANE Select); coding-DNA position 944, A replaced by C.
Protein change: p.Glu315Ala; replaces glutamic acid 315 with alanine.
Molecular consequence: missense variant.
Genome position (GRCh38, 1-based): chr3:52,405,282, T>G on the plus strand (A>C on the coding strand, the complement: BAP1 is on the minus strand). VCF-style: chr3-52405282-T-G. GRCh37 (hg19) VCF-style: chr3-52439298-T-G.
Other names: c.944A>C (LRG_529t1); short protein forms E315A.
Identifiers: ClinVar variation 412406 (VCV000412406.27), dbSNP rs149974450, ClinGen allele CA2436948.